The following is an entry in ClinVar:

NM_001211.6(BUB1B):c.665_667del (p.Pro222del)

Gene: BUB1B (BUB1 mitotic checkpoint serine/threonine kinase B; plus strand). Cytogenetic location: 15q15.1.
Variant type: Deletion.
Coding change: c.665_667del on transcript NM_001211.6 (MANE Select); coding-DNA positions 665 to 667, 3 bases deleted (CAC; older notation c.665_667delCAC).
Protein change: p.Pro222del; deletes proline 222.
Molecular consequence: inframe deletion.
Genome position (GRCh38, 1-based): chr15:40,183,797-40,183,799, CAC deleted; deleting any 3 consecutive bases within chr15:40,183,795-40,183,799 gives the same sequence; the c. name uses the placement nearest the transcript's 3' end. VCF-style (leftmost placement, unchanged base first): chr15-40183794-TACC-T. GRCh37 (hg19) VCF-style: chr15-40475995-TACC-T.
Other names: short protein forms P222del.
Identifiers: ClinVar variation 950964 (VCV000950964.9), dbSNP rs767511302, ClinGen allele CA7475531.

ClinVar aggregate classification (germline): Uncertain significance (1 of 4 stars; one submission).

Conditions:
Mosaic variegated aneuploidy syndrome 1 (MVA1). Also called: Warburton-Anyane-Yeboa syndrome. Identifiers: Orphanet 1052, MedGen C1850343, MONDO:0009759, OMIM 257300.

Submission:

Labcorp Genetics (formerly Invitae), Labcorp
Classification: Uncertain significance for Mosaic variegated aneuploidy syndrome 1. Last evaluated: 2023-08-10. Review status: criteria provided, single submitter. Criteria: Invitae Variant Classification Sherloc (09022015). Collection method: clinical testing. Allele origin: germline.
Comment: Experimental studies and prediction algorithms are not available or were not evaluated, and the functional significance of this variant is currently unknown. ClinVar contains an entry for this variant (Variation ID: 950964). This variant has been observed in individual(s) with clinical features of BUB1B-related conditions (PMID: 21520333). This variant is present in population databases (rs767511302, gnomAD 0.01%). This variant, c.665_667del, results in the deletion of 1 amino acid(s) of the BUB1B protein (p.Pro222del), but otherwise preserves the integrity of the reading frame. In summary, the available evidence is currently insufficient to determine the role of this variant in disease. Therefore, it has been classified as a Variant of Uncertain Significance.

Literature cited by the submitters: PubMed 21520333.